The following is an entry in ClinVar:

ClinVar aggregate classification (germline): Uncertain significance (1 of 4 stars; one submission).

Conditions:
Emery-Dreifuss muscular dystrophy 5, autosomal dominant (EDMD5). Also called: EMERY-DREIFUSS MUSCULAR DYSTROPHY 5. Identifiers: Orphanet 261, MedGen C2751805, MONDO:0013072, OMIM 612999.

Submission:

Labcorp Genetics (formerly Invitae), Labcorp
Classification: Uncertain significance for Emery-Dreifuss muscular dystrophy 5, autosomal dominant. Last evaluated: 2025-05-14. Review status: criteria provided, single submitter. Criteria: Invitae Variant Classification Sherloc (09022015). Collection method: clinical testing. Allele origin: germline.
Comment: This sequence change replaces isoleucine, which is neutral and non-polar, with valine, which is neutral and non-polar, at codon 123 of the SYNE2 protein (p.Ile123Val). This variant is not present in population databases (gnomAD no frequency). This variant has not been reported in the literature in individuals affected with SYNE2-related conditions. An algorithm developed to predict the effect of missense changes on protein structure and function (PolyPhen-2) suggests that this variant is likely to be disruptive. In summary, the available evidence is currently insufficient to determine the role of this variant in disease. Therefore, it has been classified as a Variant of Uncertain Significance.

NM_182914.3(SYNE2):c.367A>G (p.Ile123Val)

Gene: SYNE2 (spectrin repeat containing nuclear envelope protein 2; plus strand). Cytogenetic location: 14q23.2.
Variant type: single nucleotide variant.
Coding change: c.367A>G on transcript NM_182914.3 (MANE Select); coding-DNA position 367, A replaced by G.
Protein change: p.Ile123Val; replaces isoleucine 123 with valine.
Molecular consequence: missense variant.
Genome position (GRCh38, 1-based): chr14:63,942,102, A>G. VCF-style: chr14-63942102-A-G. GRCh37 (hg19) VCF-style: chr14-64408820-A-G.
Other names: c.367A>G, p.Ile123Val (NM_015180.6); short protein forms I123V.
Identifiers: ClinVar variation 4699755 (VCV004699755.1).
Genomic context (GRCh38, chr14:63,942,102, plus strand): 5'-GTTTTCCAGATTAAGCTAATAAATATTCATGTTACTGATATCATTGATGGAAACCCATCC[A>G]TTATCCTTGGCCTAATTTGGACAATTATCCTGCACTTTCATGTAAGTAGTTTGATGATAT-3'
Protein context (NP_878918.2, residues 113-133): VTDIIDGNPS[Ile123Val]ILGLIWTIIL